The following is an entry in ClinVar:

NM_004369.4(COL6A3):c.6210C>T (p.Pro2070=)

Gene: COL6A3 (collagen type VI alpha 3 chain; minus strand). Cytogenetic location: 2q37.3.
Variant type: single nucleotide variant.
Coding change: c.6210C>T on transcript NM_004369.4 (MANE Select); coding-DNA position 6210, C replaced by T.
Protein change: p.Pro2070=; no amino-acid change (proline 2070 retained).
Molecular consequence: synonymous variant.
Genome position (GRCh38, 1-based): chr2:237,361,121, G>A on the plus strand (C>T on the coding strand, the complement: COL6A3 is on the minus strand). VCF-style: chr2-237361121-G-A. GRCh37 (hg19) VCF-style: chr2-238269764-G-A.
Other names: c.4389C>T, p.Pro1463= (NM_057166.5); c.5592C>T, p.Pro1864= (NM_057167.4).
Identifiers: ClinVar variation 542983 (VCV000542983.7), dbSNP rs774374140, ClinGen allele CA2188415.

ClinVar aggregate classification (germline): Uncertain significance (1 of 4 stars; one submission).

Conditions:
Bethlem myopathy 1A. Also called: MYOPATHY, BENIGN CONGENITAL, WITH CONTRACTURES; Bethlem Muscular Dystrophy; Bethlem myopathy 1. Identifiers: Orphanet 610, MedGen CN029274, MONDO:0024530, OMIM 158810.

Allele frequency attached by ClinVar (database versions not stated): gnomAD 0.00002 and 0.00005; TOPMed 0.00003; gnomAD exomes 0.00008.
gnomAD v4.1: 122 of 1,613,676 alleles (0.0076%); highest among the groups gnomAD compares: South Asian, 0.12%; 2 homozygotes.

Submission:

Labcorp Genetics (formerly Invitae), Labcorp
Classification: Uncertain significance for Bethlem myopathy 1A. Last evaluated: 2025-12-24. Review status: criteria provided, single submitter. Criteria: Invitae Variant Classification Sherloc (09022015). Collection method: clinical testing. Allele origin: germline.
Comment: This sequence change affects codon 2070 of the COL6A3 mRNA. It is a 'silent' change, meaning that it does not change the encoded amino acid sequence of the COL6A3 protein. It affects a nucleotide within the consensus splice site. This variant is present in population databases (rs774374140, gnomAD 0.1%). This variant has not been reported in the literature in individuals affected with COL6A3-related conditions. ClinVar contains an entry for this variant (Variation ID: 542983). Algorithms developed to predict the effect of sequence changes on RNA splicing suggest that this variant is not likely to affect RNA splicing. In summary, the available evidence is currently insufficient to determine the role of this variant in disease. Therefore, it has been classified as a Variant of Uncertain Significance.